The following is an entry in ClinVar:

ClinVar aggregate classification (germline): Uncertain significance. Review status: criteria provided, multiple submitters, no conflicts (2 of 4 stars). 2 submissions from 2 submitters: Uncertain significance (2). Last evaluated 2025-07-07.

Conditions:
Multiple endocrine neoplasia type 4. Also called: MULTIPLE ENDOCRINE NEOPLASIA, TYPE IV. Identifiers: Orphanet 276152, MedGen C1970712, MONDO:0012552, OMIM 610755.
Hereditary cancer-predisposing syndrome. Also called: Neoplastic Syndromes, Hereditary; Tumor predisposition; Hereditary Cancer Syndrome; Hereditary neoplastic syndrome. Identifiers: Orphanet 140162, MedGen C0027672, MeSH D009386, MONDO:0015356.

Allele frequency attached by ClinVar (database versions not stated): gnomAD exomes below 0.00001; TOPMed 0.00001.
gnomAD v4.1: 1 of 1,613,064 alleles (0.000062%); highest among the groups gnomAD compares: East Asian, 0.0022%; no homozygotes.

Submissions (2):

Ambry Genetics
Classification: Uncertain significance for Hereditary cancer-predisposing syndrome. Last evaluated: 2025-07-07. Review status: criteria provided, single submitter. Criteria: Ambry Variant Classification Scheme 2023. Collection method: clinical testing. Allele origin: germline.
Comment: The p.A115V variant (also known as c.344C>T), located in coding exon 1 of the CDKN1B gene, results from a C to T substitution at nucleotide position 344. The alanine at codon 115 is replaced by valine, an amino acid with similar properties. This amino acid position is conserved. In addition, this alteration is predicted to be tolerated by in silico analysis. Since supporting evidence is limited at this time, the clinical significance of this alteration remains unclear.

Labcorp Genetics (formerly Invitae), Labcorp
Classification: Uncertain significance for Multiple endocrine neoplasia type 4. Last evaluated: 2022-03-19. Review status: criteria provided, single submitter. Criteria: Invitae Variant Classification Sherloc (09022015). Collection method: clinical testing. Allele origin: germline.
Comment: In summary, the available evidence is currently insufficient to determine the role of this variant in disease. Therefore, it has been classified as a Variant of Uncertain Significance. Algorithms developed to predict the effect of missense changes on protein structure and function are either unavailable or do not agree on the potential impact of this missense change (SIFT: "Deleterious"; PolyPhen-2: "Benign"; Align-GVGD: "Class C0"). This variant has not been reported in the literature in individuals affected with CDKN1B-related conditions. This variant is not present in population databases (gnomAD no frequency). This sequence change replaces alanine, which is neutral and non-polar, with valine, which is neutral and non-polar, at codon 115 of the CDKN1B protein (p.Ala115Val).

NM_004064.5(CDKN1B):c.344C>T (p.Ala115Val)

Gene: CDKN1B (cyclin dependent kinase inhibitor 1B; plus strand). Cytogenetic location: 12p13.1.
Variant type: single nucleotide variant.
Coding change: c.344C>T on transcript NM_004064.5 (MANE Select); coding-DNA position 344, C replaced by T.
Protein change: p.Ala115Val; replaces alanine 115 with valine.
Molecular consequence: missense variant.
Genome position (GRCh38, 1-based): chr12:12,718,183, C>T. VCF-style: chr12-12718183-C-T. GRCh37 (hg19) VCF-style: chr12-12871117-C-T.
Other names: short protein forms A115V.
Identifiers: ClinVar variation 1731545 (VCV001731545.6), dbSNP rs1946495977, ClinGen allele CA383970314.